The following is an entry in ClinVar:

NM_001048174.2(MUTYH):c.232C>G (p.Gln78Glu)

Gene: MUTYH (mutY DNA glycosylase; minus strand). Cytogenetic location: 1p34.1.
Variant type: single nucleotide variant.
Coding change: c.232C>G on transcript NM_001048174.2 (MANE Select); coding-DNA position 232, C replaced by G.
Protein change: p.Gln78Glu; replaces glutamine 78 with glutamic acid.
Molecular consequence: missense variant. On other transcripts: 5 prime UTR variant (6), non-coding transcript variant (7).
Genome position (GRCh38, 1-based): chr1:45,333,445, G>C on the plus strand (C>G on the coding strand, the complement: MUTYH is on the minus strand). VCF-style: chr1-45333445-G-C. GRCh37 (hg19) VCF-style: chr1-45799117-G-C.
Other names: c.316C>G, p.Gln106Glu (NM_001128425.2); c.277C>G, p.Gln93Glu (NM_001293190.2); c.265C>G, p.Gln89Glu (NM_001293191.2, NM_001407077.1); c.-45C>G (NM_001293192.2, NM_001293196.2, NM_001407091.1); c.232C>G, p.Gln78Glu (NM_001293195.2, NM_001407070.1, NM_001407088.1 and 6 more transcripts); c.-40C>G (NM_001350650.2, NM_001350651.2, NM_001407082.1); c.307C>G, p.Gln103Glu (NM_001407069.1, NM_012222.3); c.235C>G, p.Gln79Glu (NM_001407071.1, NM_001407086.1, NM_001048172.2 and 2 more transcripts); and 3 more; short protein forms Q85E, Q103E, Q106E, Q50E, Q89E, Q93E, Q78E, Q79E.
Identifiers: ClinVar variation 4113594 (VCV004113594.1).
Genomic context (GRCh38, chr1:45,333,445, plus strand): 5'-CCACTGTCCCTGCTCCTCGCCTGCCTACCCGTCTTCTCCATGGTAGGTCCCGTTTCTCTT[G>C]GTCGTACCAGCTTAGCAGGCTCCCTCGGAAGGCTGTGACTTCAGCTACGTCTCTGAATAG-3'
Protein context (NP_001041639.1, residues 68-88): FRGSLLSWYD[Gln78Glu]EKRDLPWRRR

ClinVar aggregate classification (germline): Uncertain significance (1 of 4 stars; one submission).

Conditions:
Hereditary cancer-predisposing syndrome. Also called: Hereditary neoplastic syndrome; Neoplastic Syndromes, Hereditary; Tumor predisposition; Hereditary Cancer Syndrome. Identifiers: Orphanet 140162, MedGen C0027672, MeSH D009386, MONDO:0015356.

Submission:

Ambry Genetics
Classification: Uncertain significance for Hereditary cancer-predisposing syndrome. Last evaluated: 2025-08-27. Review status: criteria provided, single submitter. Criteria: Ambry Variant Classification Scheme 2023. Collection method: clinical testing. Allele origin: germline.
Comment: The p.Q106E variant (also known as c.316C>G), located in coding exon 3 of the MUTYH gene, results from a C to G substitution at nucleotide position 316. The glutamine at codon 106 is replaced by glutamic acid, an amino acid with highly similar properties. This amino acid position is conserved. In addition, this alteration is predicted to be tolerated by in silico analysis. Based on the available evidence, the clinical significance of this variant remains unclear.